The following is an entry in ClinVar:

ClinVar aggregate classification (germline): Uncertain significance. Review status: criteria provided, multiple submitters, no conflicts (2 of 4 stars). 2 submissions from 2 submitters: Uncertain significance (2). Last evaluated 2022-02-17.

Conditions:
Idiopathic generalized epilepsy. Also called: Generalised epilepsy; EIG. Identifiers: MedGen C0270850, MONDO:0005579, OMIM 600669.
Epilepsy, idiopathic generalized, susceptibility to, 10. Identifiers: MedGen C2751603, MONDO:0013103, OMIM 613060.

Allele frequency attached by ClinVar (database versions not stated): gnomAD 0.00001; gnomAD exomes 0.00001.
gnomAD v4.1: 7 of 1,613,442 alleles (0.00043%); highest among the groups gnomAD compares: African/African-American, 0.0027%; no homozygotes.

Submissions (2):

Fulgent Genetics
Classification: Uncertain significance for Epilepsy, idiopathic generalized, susceptibility to, 10. Last evaluated: 2022-02-17. Review status: criteria provided, single submitter. Criteria: ACMG Guidelines, 2015. Collection method: clinical testing. Allele origin: unknown.

Labcorp Genetics (formerly Invitae), Labcorp
Classification: Uncertain significance for Idiopathic generalized epilepsy. Last evaluated: 2019-11-07. Review status: criteria provided, single submitter. Criteria: Invitae Variant Classification Sherloc (09022015). Collection method: clinical testing. Allele origin: germline.
Comment: This sequence change replaces alanine with glycine at codon 331 of the GABRD protein (p.Ala331Gly). The alanine residue is highly conserved and there is a small physicochemical difference between alanine and glycine. This variant is not present in population databases (ExAC no frequency). This variant has not been reported in the literature in individuals with GABRD-related conditions. Algorithms developed to predict the effect of missense changes on protein structure and function are either unavailable or do not agree on the potential impact of this missense change (SIFT: "Deleterious"; PolyPhen-2: "Probably Damaging"; Align-GVGD: "Class C0"). In summary, the available evidence is currently insufficient to determine the role of this variant in disease. Therefore, it has been classified as a Variant of Uncertain Significance.

NM_000815.5(GABRD):c.992C>G (p.Ala331Gly)

Gene: GABRD (gamma-aminobutyric acid type A receptor subunit delta; plus strand). Cytogenetic location: 1p36.33.
Variant type: single nucleotide variant.
Coding change: c.992C>G on transcript NM_000815.5 (MANE Select); coding-DNA position 992, C replaced by G.
Protein change: p.Ala331Gly; replaces alanine 331 with glycine.
Molecular consequence: missense variant.
Genome position (GRCh38, 1-based): chr1:2,029,695, C>G. VCF-style: chr1-2029695-C-G. GRCh37 (hg19) VCF-style: chr1-1961134-C-G.
Other names: short protein forms A331G.
Identifiers: ClinVar variation 961696 (VCV000961696.10), dbSNP rs1164930036, ClinGen allele CA337960206.